The following is an entry in ClinVar:

ClinVar aggregate classification (germline): Pathogenic (1 of 4 stars; one submission).

Submission:

Labcorp Genetics (formerly Invitae), Labcorp
Classification: Pathogenic. Last evaluated: 2023-06-13. Review status: criteria provided, single submitter. Criteria: Invitae Variant Classification Sherloc (09022015). Collection method: clinical testing. Allele origin: germline.
Comment: Algorithms developed to predict the effect of sequence changes on RNA splicing suggest that this variant may disrupt the consensus splice site. ClinVar contains an entry for this variant (Variation ID: 1072803). This variant has not been reported in the literature in individuals affected with CPLANE1-related conditions. This variant is not present in population databases (gnomAD no frequency). This sequence change creates a premature translational stop signal (p.Glu1310*) in the CPLANE1 gene. It is expected to result in an absent or disrupted protein product. Loss-of-function variants in CPLANE1 are known to be pathogenic (PMID: 24178751, 26092869). For these reasons, this variant has been classified as Pathogenic.

Literature cited by the submitters: PubMed 24178751; PubMed 26092869.

NM_001384732.1(CPLANE1):c.3928G>T (p.Glu1310Ter)

Gene: CPLANE1 (ciliogenesis and planar polarity effector complex subunit 1; minus strand). Cytogenetic location: 5p13.2.
Variant type: single nucleotide variant.
Coding change: c.3928G>T on transcript NM_001384732.1 (MANE Select); coding-DNA position 3928, G replaced by T.
Protein change: p.Glu1310Ter; replaces glutamic acid 1310 with a stop codon.
Molecular consequence: nonsense.
Genome position (GRCh38, 1-based): chr5:37,187,566, C>A on the plus strand (G>T on the coding strand, the complement: CPLANE1 is on the minus strand). VCF-style: chr5-37187566-C-A. GRCh37 (hg19) VCF-style: chr5-37187668-C-A.
Other names: c.3928G>T, p.Glu1310Ter (NM_023073.4); short protein forms E1310*.
Identifiers: ClinVar variation 1072803 (VCV001072803.7), dbSNP rs1408467437, ClinGen allele CA359506893.
Genomic context (GRCh38, chr5:37,187,566, plus strand): 5'-TATAAGCCCATTCCACTGCACTAAGACAGTGCTCAATCATACAAGAATCAAACTCCACTT[C>A]AAGGTCCTAAAAGGATATTGAAAAACATTCATTTCCTTTTTAGTTTAGATGGTAGACCAG-3'